The following is an entry in ClinVar:

NM_006208.3(ENPP1):c.1889C>A (p.Pro630His)

Gene: ENPP1 (ectonucleotide pyrophosphatase/phosphodiesterase 1; plus strand). Cytogenetic location: 6q23.2.
Variant type: single nucleotide variant.
Coding change: c.1889C>A on transcript NM_006208.3 (MANE Select); coding-DNA position 1889, C replaced by A.
Protein change: p.Pro630His; replaces proline 630 with histidine.
Molecular consequence: missense variant.
Genome position (GRCh38, 1-based): chr6:131,877,157, C>A. VCF-style: chr6-131877157-C-A. GRCh37 (hg19) VCF-style: chr6-132198297-C-A.
Other names: short protein forms P630H.
Identifiers: ClinVar variation 943770 (VCV000943770.9), dbSNP rs1782240198, ClinGen allele CA365652622.
Genomic context (GRCh38, chr6:131,877,157, plus strand): 5'-CCCTGGTACAGTGCCCCTTCACAAGAAACCCCAGAGATAACCTTGGCTGCTCATGTAACC[C>A]TTCGGTAAGTATCGTCAAGAAGTTTGGTCCAGTATGTATGGTTTGATAGCACCCTCTGCA-3'
Protein context (NP_006199.2, residues 620-640): PRDNLGCSCN[Pro630His]SILPIEDFQT

ClinVar aggregate classification (germline): Uncertain significance (1 of 4 stars; one submission).

Submission:

Labcorp Genetics (formerly Invitae), Labcorp
Classification: Uncertain significance. Last evaluated: 2019-05-20. Review status: criteria provided, single submitter. Criteria: Invitae Variant Classification Sherloc (09022015). Collection method: clinical testing. Allele origin: germline.
Comment: This sequence change replaces proline with histidine at codon 630 of the ENPP1 protein (p.Pro630His). The proline residue is moderately conserved and there is a moderate physicochemical difference between proline and histidine. This variant is not present in population databases (ExAC no frequency). This variant has not been reported in the literature in individuals with ENPP1-related conditions. Algorithms developed to predict the effect of missense changes on protein structure and function (SIFT, PolyPhen-2, Align-GVGD) all suggest that this variant is likely to be tolerated, but these predictions have not been confirmed by published functional studies and their clinical significance is uncertain. In summary, the available evidence is currently insufficient to determine the role of this variant in disease. Therefore, it has been classified as a Variant of Uncertain Significance.